The following is an entry in ClinVar:

ClinVar aggregate classification (germline): Likely pathogenic (1 of 4 stars; one submission).

Conditions:
Acromesomelic dysplasia 1, Maroteaux type (AMD1). Also called: ST. HELENA DYSPLASIA; ACROMESOMELIC DYSPLASIA 1. Identifiers: Orphanet 40, MedGen C1864356, MONDO:0011275, OMIM 602875.
Tall stature-scoliosis-macrodactyly of the great toes syndrome. Also called: Epiphyseal chondrodysplasia, miura type. Identifiers: Orphanet 329191, MedGen C4014690, MONDO:0014401, OMIM 615923.

Submission:

Labcorp Genetics (formerly Invitae), Labcorp
Classification: Likely pathogenic for Tall stature-scoliosis-macrodactyly of the great toes syndrome; Acromesomelic dysplasia 1, Maroteaux type. Last evaluated: 2024-02-24. Review status: criteria provided, single submitter. Criteria: Invitae Variant Classification Sherloc (09022015). Collection method: clinical testing. Allele origin: germline.
Comment: This variant results in the deletion of part of exon 8 (c.1558-3_1558del) of the NPR2 gene. It is expected to disrupt RNA splicing. Variants that disrupt the donor or acceptor splice site typically lead to a loss of protein function (PMID: 16199547), and loss-of-function variants in NPR2 are known to be pathogenic (PMID: 15146390, 15572448, 16384845). This variant is not present in population databases (gnomAD no frequency). This variant has not been reported in the literature in individuals affected with NPR2-related conditions. Algorithms developed to predict the effect of sequence changes on RNA splicing suggest that this variant may disrupt the consensus splice site. In summary, the currently available evidence indicates that the variant is pathogenic, but additional data are needed to prove that conclusively. Therefore, this variant has been classified as Likely Pathogenic.

Literature cited by the submitters: PubMed 16199547; PubMed 15146390; PubMed 15572448; PubMed 16384845.

NM_003995.4(NPR2):c.1558-3_1558del

Gene: NPR2 (natriuretic peptide receptor 2; plus strand). Cytogenetic location: 9p13.3.
Variant type: Deletion.
Coding change: c.1558-3_1558del on transcript NM_003995.4 (MANE Select); 3 bases into the intron before coding-DNA position 1558 through coding-DNA position 1558, 4 bases deleted (CAGC; older notation c.1558-3_1558delCAGC).
Molecular consequence: splice acceptor variant.
Genome position (GRCh38, 1-based): chr9:35,801,923-35,801,926, CAGC deleted; deleting any 4 consecutive bases within chr9:35,801,922-35,801,926 gives the same sequence; the c. name uses the placement nearest the transcript's 3' end. VCF-style (leftmost placement, unchanged base first): chr9-35801921-CCCAG-C. GRCh37 (hg19) VCF-style: chr9-35801918-CCCAG-C.
Other names: c.1567-3_1567del (NM_001378923.1).
Identifiers: ClinVar variation 3754773 (VCV003754773.2).
Genomic context (GRCh38, chr9:35,801,921, plus strand): 5'-CTGCACTACCACCATCATCTAATGTTCCTTTCATCCTTCCGCCTCCATGTTGCCCTTGGC[CCCAG>C]CGGGGATCCAGTTACGGCTCGCTCATGACAGCCCATGGGAAATACCAGATCTTTGCCAAC-3'